The following is an entry in ClinVar:

NM_001365088.1(SLC12A6):c.3076C>T (p.Arg1026Ter)

Gene: SLC12A6 (solute carrier family 12 member 6; minus strand). Cytogenetic location: 15q14.
Variant type: single nucleotide variant.
Coding change: c.3076C>T on transcript NM_001365088.1 (MANE Select); coding-DNA position 3076, C replaced by T.
Protein change: p.Arg1026Ter; replaces arginine 1026 with a stop codon.
Molecular consequence: nonsense.
Genome position (GRCh38, 1-based): chr15:34,236,166, G>A on the plus strand (C>T on the coding strand, the complement: SLC12A6 is on the minus strand). VCF-style: chr15-34236166-G-A. GRCh37 (hg19) VCF-style: chr15-34528367-G-A.
Other names: c.2899C>T, p.Arg967Ter (NM_001042494.2, NM_001042495.2); c.3049C>T, p.Arg1017Ter (NM_001042496.2); c.3031C>T, p.Arg1011Ter (NM_001042497.2); c.2923C>T, p.Arg975Ter (NM_005135.2); c.3076C>T, p.Arg1026Ter (NM_133647.2); short protein forms R1011*, R1017*, R1026*, R967*, R975*.
Identifiers: ClinVar variation 1693281 (VCV001693281.6), dbSNP rs752155450, ClinGen allele CA268658941.

ClinVar aggregate classification (germline): Likely pathogenic (1 of 4 stars; one submission).

Conditions:
Agenesis of the corpus callosum with peripheral neuropathy (ACCPN). Also called: CHARLEVOIX DISEASE; POLYNEUROPATHY, SENSORIMOTOR, WITH OR WITHOUT AGENESIS OF THE CORPUS CALLOSUM; HMSN/ACC; Hereditary Motor and Sensory Neuropathy with Agenesis of the Corpus Callosum. Identifiers: Orphanet 1496, MedGen C0795950, MONDO:0000902, OMIM 218000. Disease mechanism: loss of function.

Allele frequency attached by ClinVar (database versions not stated): gnomAD exomes below 0.00001.
gnomAD v4.1: 5 of 1,613,654 alleles (0.00031%); highest among the groups gnomAD compares: South Asian, 0.0022%; no homozygotes.

Submission:

Illumina Laboratory Services, Illumina
Classification: Likely pathogenic for Agenesis of the corpus callosum with peripheral neuropathy. Last evaluated: 2021-12-10. Review status: criteria provided, single submitter. Criteria: ICSLVariantClassificationCriteria RUGD 01 April 2020. Collection method: clinical testing. Allele origin: unknown.
Comment: The SLC12A6 c.3076C>T (p.Arg1026Ter) nonsense variant results in the substitution of arginine at amino acid position 1026 with a stop codon. Loss of normal protein function through either protein truncation or nonsense-mediated mRNA decay is expected. To our knowledge, this variant has not been reported in the peer-reviewed literature. This variant is reported in the Genome Aggregation Database in one allele at a frequency of 0.000033 in the South Asian population (version 2.1.1). Based on the available evidence, the c.3076C>T (p.Arg1026Ter) variant is classified as likely pathogenic for agenesis of the corpus callosum with peripheral neuropathy.